The following is an entry in ClinVar:

ClinVar aggregate classification (germline): Uncertain significance (1 of 4 stars; one submission).

Allele frequency attached by ClinVar (database versions not stated): gnomAD 0.00001; TOPMed 0.00001; gnomAD exomes 0.00002 and 0.00006; ExAC 0.00005.
gnomAD v4.1: 33 of 1,592,222 alleles (0.0021%); highest among the groups gnomAD compares: South Asian, 0.034%; no homozygotes.

Submission:

Labcorp Genetics (formerly Invitae), Labcorp
Classification: Uncertain significance. Last evaluated: 2024-05-23. Review status: criteria provided, single submitter. Criteria: Invitae Variant Classification Sherloc (09022015). Collection method: clinical testing. Allele origin: germline.
Comment: This sequence change replaces proline, which is neutral and non-polar, with leucine, which is neutral and non-polar, at codon 751 of the PACS2 protein (p.Pro751Leu). This variant is present in population databases (rs782331582, gnomAD 0.05%), and has an allele count higher than expected for a pathogenic variant. This variant has not been reported in the literature in individuals affected with PACS2-related conditions. ClinVar contains an entry for this variant (Variation ID: 1367996). Advanced modeling of protein sequence and biophysical properties (such as structural, functional, and spatial information, amino acid conservation, physicochemical variation, residue mobility, and thermodynamic stability) performed at Invitae indicates that this missense variant is not expected to disrupt PACS2 protein function with a negative predictive value of 80%. In summary, the available evidence is currently insufficient to determine the role of this variant in disease. Therefore, it has been classified as a Variant of Uncertain Significance.

NM_001100913.3(PACS2):c.2252C>T (p.Pro751Leu)

Gene: PACS2 (phosphofurin acidic cluster sorting protein 2; plus strand). Cytogenetic location: 14q32.33.
Variant type: single nucleotide variant.
Coding change: c.2252C>T on transcript NM_001100913.3 (MANE Select); coding-DNA position 2252, C replaced by T.
Protein change: p.Pro751Leu; replaces proline 751 with leucine.
Molecular consequence: missense variant.
Genome position (GRCh38, 1-based): chr14:105,391,763, C>T. VCF-style: chr14-105391763-C-T. GRCh37 (hg19) VCF-style: chr14-105858100-C-T.
Other names: c.1982C>T, p.Pro661Leu (NM_001243127.3); c.2207C>T, p.Pro736Leu (NM_015197.4); short protein forms P736L, P661L, P751L.
Identifiers: ClinVar variation 1367996 (VCV001367996.8), dbSNP rs782331582, ClinGen allele CA7389209.